The following is an entry in ClinVar:

ClinVar aggregate classification (germline): Uncertain significance (1 of 4 stars; one submission).

Conditions:
LEPR-related disorder. Also called: LEPR-related condition; LEPR-related disorders.

gnomAD v4.1: 12 of 1,613,376 alleles (0.00074%); highest among the groups gnomAD compares: Admixed American, 0.005%; no homozygotes.

Submission:

PreventionGenetics, part of Exact Sciences
Classification: Uncertain significance for LEPR-related condition. Last evaluated: 2026-09-09. Review status: criteria provided, single submitter. Criteria: ACMG Guidelines, 2015. Collection method: clinical testing. Allele origin: germline.
Comment: The LEPR c.929G>A variant is predicted to result in the amino acid substitution p.Gly310Asp. This variant was observed in a cohort of individuals with obesity, and in vitro functional studies showed function similar to wild-type levels (Supplemental Data Set, Shah et al. 2023. PubMed ID: 36864747). This variant is reported in 0.0057% of alleles in individuals of Latino descent in gnomAD. At this time, the clinical significance of this variant is uncertain due to the absence of conclusive functional and genetic evidence.

NM_002303.6(LEPR):c.929G>A (p.Gly310Asp)

Gene: LEPR (leptin receptor; plus strand). Cytogenetic location: 1p31.3.
Variant type: single nucleotide variant.
Coding change: c.929G>A on transcript NM_002303.6 (MANE Select); coding-DNA position 929, G replaced by A.
Protein change: p.Gly310Asp; replaces glycine 310 with aspartic acid.
Molecular consequence: missense variant.
Genome position (GRCh38, 1-based): chr1:65,598,739, G>A. VCF-style: chr1-65598739-G-A. GRCh37 (hg19) VCF-style: chr1-66064422-G-A.
Other names: c.929G>A, p.Gly310Asp (NM_001003679.3, NM_001003680.3, NM_001198687.2 and 2 more transcripts); short protein forms G310D.
Identifiers: ClinVar variation 4990391 (VCV004990391.1).
Genomic context (GRCh38, chr1:65,598,739, plus strand): 5'-CTACATCCCTGCTAGTAGACAGTATACTTCCTGGGTCTTCGTATGAGGTTCAGGTGAGGG[G>A]CAAGAGACTGGATGGCCCAGGAATCTGGAGTGACTGGAGTACTCCTCGTGTCTTTACCAC-3'
Protein context (NP_002294.2, residues 300-320): PGSSYEVQVR[Gly310Asp]KRLDGPGIWS